The following is an entry in ClinVar:

NM_001844.5(COL2A1):c.2484del (p.Gly831fs)

Gene: COL2A1 (collagen type II alpha 1 chain; minus strand). Cytogenetic location: 12q13.11.
Variant type: Deletion.
Coding change: c.2484del on transcript NM_001844.5 (MANE Select); coding-DNA position 2484, one base deleted (G; older notation c.2484delG).
Protein change: p.Gly831fs; shifts the reading frame from glycine 831.
Molecular consequence: frameshift variant.
Genome position (GRCh38, 1-based): chr12:47,980,948, C deleted on the plus strand (G on the coding strand, the reverse complement: COL2A1 is on the minus strand); the first of 3 consecutive C bases (chr12:47,980,948-47,980,950); deleting any one gives the same sequence. VCF-style (leftmost placement, unchanged base first): chr12-47980947-GC-G. GRCh37 (hg19) VCF-style: chr12-48374730-GC-G.
Other names: c.2277del, p.Gly762fs (NM_033150.3); short protein forms G762fs, G831fs.
Identifiers: ClinVar variation 4819070 (VCV004819070.2).

ClinVar aggregate classification (germline): Pathogenic/Likely pathogenic. Review status: criteria provided, multiple submitters, no conflicts (2 of 4 stars). 2 submissions from 2 submitters: Pathogenic (1); Likely pathogenic (1). Last evaluated 2026-02-05.

Conditions:
COL2A1-related disorder. Also called: COL2A1-related condition; COL2A1-related disorders.
Type 2 collagenopathy. Identifiers: Orphanet 93421, MedGen C2931073, MONDO:0022800.

Submissions (2):

Victorian Clinical Genetics Services, Murdoch Childrens Research Institute
Classification: Pathogenic for Type 2 collagenopathy. Last evaluated: 2026-02-05. Review status: criteria provided, single submitter. Criteria: ACMG Guidelines, 2015. Collection method: clinical testing. Allele origin: germline. Affected: yes.
Comment: This variant is classified as Pathogenic. Evidence in support of pathogenic classification: Variant is predicted to cause nonsense-mediated decay (NMD) and loss of protein (premature termination codon is located at least 54 nucleotides upstream of the final exon-exon junction); Variant is absent from gnomAD (v2, v3 and v4); Other NMD-predicted variant(s) comparable to the one identified in this case have very strong previous evidence for pathogenicity (DECIPHER); Additional information: This variant is heterozygous; This gene is associated with autosomal dominant disease; Dominant negative and loss of function are known mechanisms of disease in this gene and are associated with COL2A1-related disorders. Loss of function variants have been reported to cause Stickler syndrome, whereas missense variants with a dominant negative effect on protein function result in spondyloepiphyseal or spondyloepimetaphyseal dysplasia (OMIM, PMIDs: 35052477, 15895462); Variants in this gene are known to have variable expressivity (PMID: 20301479).

Blueprint Genetics
Classification: Likely pathogenic for COL2A1-related disorders. Last evaluated: 2022-02-18. Review status: criteria provided, single submitter. Criteria: ACMG Guidelines, 2015. Collection method: clinical testing. Allele origin: germline. Affected: yes. Observed: 1 variant allele.

Literature cited by the submitters: PubMed 20301479 (cited by Victorian Clinical Genetics Services, Murdoch Childrens Research Institute); PubMed 15895462 (cited by Victorian Clinical Genetics Services, Murdoch Childrens Research Institute); PubMed 35052477 (cited by Victorian Clinical Genetics Services, Murdoch Childrens Research Institute).